The following is an entry in ClinVar:

ClinVar aggregate classification (germline): Uncertain significance. Review status: criteria provided, multiple submitters, no conflicts (2 of 4 stars). 2 submissions from 2 submitters: Uncertain significance (2). Last evaluated 2024-02-28.

Conditions:
Neuropathy, hereditary sensory and autonomic, type 2A (HSAN2A). Also called: HSAN IIA; WNK1-Related HSAN2 (HSAN2A); MORVAN DISEASE; NEUROPATHY, CONGENITAL SENSORY; NEUROPATHY, HEREDITARY SENSORY RADICULAR, AUTOSOMAL RECESSIVE; NEUROPATHY, HEREDITARY SENSORY, TYPE IIA. Identifiers: Orphanet 970, MedGen C2752089, MONDO:0024309, OMIM 201300.
Pseudohypoaldosteronism type 2C (PHA2C). Also called: Pseudohypoaldosteronism Type IIC. Identifiers: Orphanet 757, Orphanet 88940, MedGen C1840391, MONDO:0013778, OMIM 614492.

Allele frequency attached by ClinVar (database versions not stated): TOPMed below 0.00001; gnomAD 0.00001; gnomAD exomes 0.00002; ExAC 0.00003.
gnomAD v4.1: 10 of 1,614,014 alleles (0.00062%); highest among the groups gnomAD compares: Middle Eastern, 0.016%; no homozygotes.

Submissions (2):

Fulgent Genetics
Classification: Uncertain significance for Neuropathy, hereditary sensory and autonomic, type 2A; Pseudohypoaldosteronism type 2C. Last evaluated: 2024-02-28. Review status: criteria provided, single submitter. Criteria: ACMG Guidelines, 2015. Collection method: clinical testing. Allele origin: germline.

Labcorp Genetics (formerly Invitae), Labcorp
Classification: Uncertain significance for Neuropathy, hereditary sensory and autonomic, type 2A; Pseudohypoaldosteronism type 2C. Last evaluated: 2024-02-24. Review status: criteria provided, single submitter. Criteria: Invitae Variant Classification Sherloc (09022015). Collection method: clinical testing. Allele origin: germline.
Comment: This sequence change replaces arginine, which is basic and polar, with isoleucine, which is neutral and non-polar, at codon 1563 of the WNK1 protein (p.Arg1563Ile). This variant is present in population databases (rs773117623, gnomAD 0.005%). This variant has not been reported in the literature in individuals affected with WNK1-related conditions. ClinVar contains an entry for this variant (Variation ID: 538525). Advanced modeling of protein sequence and biophysical properties (such as structural, functional, and spatial information, amino acid conservation, physicochemical variation, residue mobility, and thermodynamic stability) performed at Invitae indicates that this missense variant is not expected to disrupt WNK1 protein function with a negative predictive value of 95%. In summary, the available evidence is currently insufficient to determine the role of this variant in disease. Therefore, it has been classified as a Variant of Uncertain Significance.

NM_018979.4(WNK1):c.3932G>T (p.Arg1311Ile)

Gene: WNK1 (WNK lysine deficient protein kinase 1; plus strand). Cytogenetic location: 12p13.33.
Variant type: single nucleotide variant.
Coding change: c.3932G>T on transcript NM_018979.4 (MANE Select); coding-DNA position 3932, G replaced by T.
Protein change: p.Arg1311Ile; replaces arginine 1311 with isoleucine.
Molecular consequence: missense variant.
Genome position (GRCh38, 1-based): chr12:884,736, G>T. VCF-style: chr12-884736-G-T. GRCh37 (hg19) VCF-style: chr12-993902-G-T.
Other names: c.4712G>T, p.Arg1571Ile (NM_001184985.2); c.3191G>T, p.Arg1064Ile (NM_014823.3); c.4688G>T, p.Arg1563Ile (NM_213655.5); short protein forms R1311I, R1563I, R1064I, R1571I.
Identifiers: ClinVar variation 538525 (VCV000538525.11), dbSNP rs773117623, ClinGen allele CA6382896.
Genomic context (GRCh38, chr12:884,736, plus strand): 5'-GAATGAACTTGTCTCACTCTGCATCATCCCTTAGTCTACAACAGGCCTTTTCTGAACTTA[G>T]ACGTGCCCAAATGACAGAAGGACCCAACACAGCACCTCCAAACTTTAGTCATACAGGACC-3'
Protein context (NP_061852.3, residues 1301-1321): LSLQQAFSEL[Arg1311Ile]RAQMTEGPNT